The following is an entry in ClinVar:

NM_001018005.2(TPM1):c.435G>T (p.Glu145Asp)

Gene: TPM1 (tropomyosin 1; plus strand). Cytogenetic location: 15q22.2.
Variant type: single nucleotide variant.
Coding change: c.435G>T on transcript NM_001018005.2 (MANE Select); coding-DNA position 435, G replaced by T.
Protein change: p.Glu145Asp; replaces glutamic acid 145 with aspartic acid.
Molecular consequence: missense variant. On other transcripts: non-coding transcript variant (17).
Genome position (GRCh38, 1-based): chr15:63,059,623, G>T. VCF-style: chr15-63059623-G-T. GRCh37 (hg19) VCF-style: chr15-63351822-G-T.
Other names: c.435G>T, p.Glu145Asp (NM_000366.6, NM_001018004.2, NM_001018006.2 and 20 more transcripts); c.327G>T, p.Glu109Asp (NM_001018008.2, NM_001301289.2, NM_001330344.2 and 9 more transcripts); c.561G>T, p.Glu187Asp (NM_001365778.1, NM_001407322.1, NM_001407323.1 and 1 more transcripts); short protein forms E109D, E145D, E187D.
Identifiers: ClinVar variation 4688011 (VCV004688011.1), dbSNP rs371680410.
Genomic context (GRCh38, chr15:63,059,623, plus strand): 5'-AGGCATGAAAGTCATTGAGAGTCGAGCCCAAAAAGATGAAGAAAAAATGGAAATTCAGGA[G>T]ATCCAACTGAAAGAGGCCAAGCACATTGCTGAAGATGCCGACCGCAAATATGAAGAGGTC-3'
Protein context (NP_001018005.1, residues 135-155): QKDEEKMEIQ[Glu145Asp]IQLKEAKHIA

ClinVar aggregate classification (germline): Likely pathogenic (1 of 4 stars; one submission).

Conditions:
Hypertrophic cardiomyopathy 3. Also called: TPM1-Related Familial Hypertrophic Cardiomyopathy. Identifiers: MedGen C1861863, MONDO:0007267, OMIM 115196.
Dilated cardiomyopathy 1Y (CMD1Y). Identifiers: Orphanet 154, Orphanet 54260, MedGen C2678476, MONDO:0012744, OMIM 611878.

Submission:

Human Genetics Bochum, Ruhr University Bochum
Classification: Likely pathogenic for Dilated cardiomyopathy 1Y; Hypertrophic cardiomyopathy 3. Last evaluated: 2024-11-25. Review status: criteria provided, single submitter. Criteria: ACMG Guidelines, 2015. Collection method: clinical testing. Allele origin: germline. Affected: yes.
Comment: ACMG criteria used to clasify this variant: PM2_SUP, PP2, PP3